The following is an entry in ClinVar:

NM_001127644.2(GABRA1):c.448G>A (p.Glu150Lys)

Gene: GABRA1 (gamma-aminobutyric acid type A receptor subunit alpha1; plus strand). Cytogenetic location: 5q34.
Variant type: single nucleotide variant.
Coding change: c.448G>A on transcript NM_001127644.2 (MANE Select); coding-DNA position 448, G replaced by A.
Protein change: p.Glu150Lys; replaces glutamic acid 150 with lysine.
Molecular consequence: missense variant.
Genome position (GRCh38, 1-based): chr5:161,873,309, G>A. VCF-style: chr5-161873309-G-A. GRCh37 (hg19) VCF-style: chr5-161300315-G-A.
Other names: c.448G>A, p.Glu150Lys (NM_001127645.2, NM_001127648.2, NM_000806.5 and 1 more transcripts); short protein forms E150K.
Identifiers: ClinVar variation 4293072 (VCV004293072.2).
Genomic context (GRCh38, chr5:161,873,309, plus strand): 5'-AATGGAAAGAAGTCAGTGGCCCACAACATGACCATGCCCAACAAACTCCTGCGGATCACA[G>A]AGGATGGCACCTTGCTGTACACCATGAGGTAAGGATGGCTGCACTGCCATTCATGAATGT-3'
Protein context (NP_001121116.1, residues 140-160): TMPNKLLRIT[Glu150Lys]DGTLLYTMRL

ClinVar aggregate classification (germline): Uncertain significance (1 of 4 stars; one submission).

Conditions:
Developmental and epileptic encephalopathy, 19 (DEE19). Also called: Epileptic encephalopathy, early infantile, 19. Identifiers: Orphanet 33069, MedGen C3810400, MONDO:0014328, OMIM 615744.

Submission:

3billion
Classification: Uncertain significance for Developmental and epileptic encephalopathy, 19. Last evaluated: 2025-07-02. Review status: criteria provided, single submitter. Criteria: ACMG Guidelines, 2015. Collection method: clinical testing. Allele origin: germline. Affected: yes.
Comment: The variant is not observed in the gnomAD v4.1.0 dataset. Predicted Consequence/Location: Missense variant. Missense changes are a common disease-causing mechanism. In silico tool predictions suggest damaging effect of the variant on gene or gene product [3Cnet: 0.84 (> 0.75, sensitivity 0.96 and precision 0.92)]. The same nucleotide change resulting in the same amino acid change has been previously reported to be associated with GABRA1-related disorder (PMID: 36584483). However, the evidence of pathogenicity is insufficient at this time. Therefore, this variant is classified as VUS according to the recommendation of ACMG/AMP guideline.

Literature cited by the submitters: PubMed 36584483.